The following is an entry in ClinVar:

NM_005866.4(SIGMAR1):c.*41G>A

Gene: SIGMAR1 (sigma receptor chaperone 1; minus strand). Cytogenetic location: 9p13.3.
Variant type: single nucleotide variant.
Coding change: c.*41G>A on transcript NM_005866.4 (MANE Select); 41 bases downstream of the stop codon, G replaced by A.
Molecular consequence: 3 prime UTR variant. On other transcripts: non-coding transcript variant (1).
Genome position (GRCh38, 1-based): chr9:34,635,591, C>T on the plus strand (G>A on the coding strand, the complement: SIGMAR1 is on the minus strand). VCF-style: chr9-34635591-C-T. GRCh37 (hg19) VCF-style: chr9-34635588-C-T.
Other names: c.*27G>A (NM_001282205.2); c.*41G>A (NM_001282206.2, NM_001282207.2, NM_147157.3); c.*256G>A (NM_001282208.2); c.*240G>A (NM_001282209.2).
Identifiers: ClinVar variation 4979017 (VCV004979017.1).
Genomic context (GRCh38, chr9:34,635,591, plus strand): 5'-ATGGTGTATGTCCCTGTCTGTAAACATGGGCTCCAGCAAGTGGATATGTGCGGGCCTGCC[C>T]GCTCCTGTCTATCCGCAGGTCTTCCTTCAGGCCTGGCTGGTCAAGGGTCCTGGCCAAAGA-3'

ClinVar aggregate classification (germline): Likely benign (1 of 4 stars; one submission).

Conditions:
SIGMAR1-related disorder. Also called: SIGMAR1-related condition.

Submission:

PreventionGenetics, part of Exact Sciences
Classification: Likely benign for SIGMAR1-related condition. Last evaluated: 2025-02-14. Review status: criteria provided, single submitter. Criteria: ACMG Guidelines, 2015. Collection method: clinical testing. Allele origin: germline.
Comment: This variant is classified as likely benign based on ACMG/AMP sequence variant interpretation guidelines (Richards et al. 2015 PMID: 25741868, with internal and published modifications).